The following is an entry in ClinVar:

NM_004525.3(LRP2):c.8361G>A (p.Met2787Ile)

Gene: LRP2 (LDL receptor related protein 2; minus strand). Cytogenetic location: 2q31.1.
Variant type: single nucleotide variant.
Coding change: c.8361G>A on transcript NM_004525.3 (MANE Select); coding-DNA position 8361, G replaced by A.
Protein change: p.Met2787Ile; replaces methionine 2787 with isoleucine.
Molecular consequence: missense variant.
Genome position (GRCh38, 1-based): chr2:169,201,719, C>T on the plus strand (G>A on the coding strand, the complement: LRP2 is on the minus strand). VCF-style: chr2-169201719-C-T. GRCh37 (hg19) VCF-style: chr2-170058229-C-T.
Other names: short protein forms M2787I.
Identifiers: ClinVar variation 1361924 (VCV001361924.8), dbSNP rs889517869, ClinGen allele CA59929806.
Genomic context (GRCh38, chr2:169,201,719, plus strand): 5'-ATGGCAGTTGTCTACACCATTGCAGATAAACTCACGAGGTATGCACCTTCTGTTATTGCA[C>T]ATAAACTCCGTGGTGGCATTGCAGTCCCTGAACAGGCACCCTGCCTCATCACTGCCATCA-3'
Protein context (NP_004516.2, residues 2777-2797): FRDCNATTEF[Met2787Ile]CNNRRCIPRE

ClinVar aggregate classification (germline): Uncertain significance (1 of 4 stars; one submission).

Allele frequency attached by ClinVar (database versions not stated): gnomAD exomes below 0.00001; TOPMed below 0.00001; gnomAD 0.00001.
gnomAD v4.1: 8 of 1,614,034 alleles (0.0005%); highest among the groups gnomAD compares: African/African-American, 0.011%; no homozygotes.

Submission:

Labcorp Genetics (formerly Invitae), Labcorp
Classification: Uncertain significance. Last evaluated: 2025-01-06. Review status: criteria provided, single submitter. Criteria: Invitae Variant Classification Sherloc (09022015). Collection method: clinical testing. Allele origin: germline.
Comment: This sequence change replaces methionine, which is neutral and non-polar, with isoleucine, which is neutral and non-polar, at codon 2787 of the LRP2 protein (p.Met2787Ile). This variant is present in population databases (no rsID available, gnomAD 0.01%). This variant has not been reported in the literature in individuals affected with LRP2-related conditions. ClinVar contains an entry for this variant (Variation ID: 1361924). Invitae Evidence Modeling of protein sequence and biophysical properties (such as structural, functional, and spatial information, amino acid conservation, physicochemical variation, residue mobility, and thermodynamic stability) indicates that this missense variant is not expected to disrupt LRP2 protein function with a negative predictive value of 95%. In summary, the available evidence is currently insufficient to determine the role of this variant in disease. Therefore, it has been classified as a Variant of Uncertain Significance.